The following is an entry in ClinVar:

NM_005012.4(ROR1):c.995G>A (p.Arg332His)

Gene: ROR1 (receptor tyrosine kinase like orphan receptor 1; plus strand). Cytogenetic location: 1p31.3.
Variant type: single nucleotide variant.
Coding change: c.995G>A on transcript NM_005012.4 (MANE Select); coding-DNA position 995, G replaced by A.
Protein change: p.Arg332His; replaces arginine 332 with histidine.
Molecular consequence: missense variant.
Genome position (GRCh38, 1-based): chr1:64,142,471, G>A. VCF-style: chr1-64142471-G-A. GRCh37 (hg19) VCF-style: chr1-64608154-G-A.
Other names: c.995G>A, p.Arg332His (NM_001083592.2); short protein forms R332H.
Identifiers: ClinVar variation 2169454 (VCV002169454.4), dbSNP rs549660782, ClinGen allele CA890196.
Genomic context (GRCh38, chr1:64,142,471, plus strand): 5'-AGTGTTATAACAGCACAGGTGTGGACTACCGGGGGACCGTCAGTGTGACCAAATCAGGGC[G>A]CCAGTGCCAGCCATGGAATTCCCAGTATCCCCACACACACACTTTCACCGCCCTTCGTTT-3'
Protein context (NP_005003.2, residues 322-342): RGTVSVTKSG[Arg332His]QCQPWNSQYP

ClinVar aggregate classification (germline): Uncertain significance (1 of 4 stars; one submission).

Allele frequency attached by ClinVar (database versions not stated): TOPMed 0.00003; ExAC 0.00007; gnomAD 0.00008; 1000 Genomes Project 30x 0.00016; 1000 Genomes Project 0.00020.
gnomAD v4.1: 59 of 1,614,122 alleles (0.0037%); highest among the groups gnomAD compares: South Asian, 0.022%; no homozygotes.

Submission:

Labcorp Genetics (formerly Invitae), Labcorp
Classification: Uncertain significance. Last evaluated: 2024-07-19. Review status: criteria provided, single submitter. Criteria: Invitae Variant Classification Sherloc (09022015). Collection method: clinical testing. Allele origin: germline.
Comment: This sequence change replaces arginine, which is basic and polar, with histidine, which is basic and polar, at codon 332 of the ROR1 protein (p.Arg332His). This variant is present in population databases (rs549660782, gnomAD 0.03%). This variant has not been reported in the literature in individuals affected with ROR1-related conditions. ClinVar contains an entry for this variant (Variation ID: 2169454). An algorithm developed to predict the effect of missense changes on protein structure and function (PolyPhen-2) suggests that this variant is likely to be tolerated. In summary, the available evidence is currently insufficient to determine the role of this variant in disease. Therefore, it has been classified as a Variant of Uncertain Significance.